The following is an entry in ClinVar:

NM_020795.4(NLGN2):c.2495C>T (p.Thr832Ile)

Gene: NLGN2 (neuroligin 2; plus strand). Cytogenetic location: 17p13.1.
Variant type: single nucleotide variant.
Coding change: c.2495C>T on transcript NM_020795.4 (MANE Select); coding-DNA position 2495, C replaced by T.
Protein change: p.Thr832Ile; replaces threonine 832 with isoleucine.
Molecular consequence: missense variant.
Genome position (GRCh38, 1-based): chr17:7,417,786, C>T. VCF-style: chr17-7417786-C-T. GRCh37 (hg19) VCF-style: chr17-7321105-C-T.
Other names: short protein forms T832I.
Identifiers: ClinVar variation 3030315 (VCV003030315.3), dbSNP rs2507758739, ClinGen allele CA397836998.
Genomic context (GRCh38, chr17:7,417,786, plus strand): 5'-TCCCCCCGCCCCCTCCCACCGCCACCAGCCACAACAACACGCTACCCCACCCCCACTCCA[C>T]CACTCGGGTATAGGGGGTGGGTGGGGAGGCCCTCCTCCCCGGCCCTCCCTGGCCCGGCCA-3'
Protein context (NP_065846.1, residues 822-835): HNNTLPHPHS[Thr832Ile]TRV

ClinVar aggregate classification (germline): Uncertain significance (1 of 4 stars; one submission).

Conditions:
NLGN2-related disorder. Also called: NLGN2-related condition.

Submission:

PreventionGenetics, part of Exact Sciences
Classification: Uncertain significance for NLGN2-related condition. Last evaluated: 2025-06-09. Review status: criteria provided, single submitter. Criteria: ACMG Guidelines, 2015. Collection method: clinical testing. Allele origin: germline.
Comment: The NLGN2 c.2495C>T variant is predicted to result in the amino acid substitution p.Thr832Ile. To our knowledge, this variant has not been reported in the literature or in a large population database (gnomAD), indicating this variant is rare. At this time, the clinical significance of this variant is uncertain due to the absence of conclusive functional and genetic evidence.